The following is an entry in ClinVar:

NM_001127222.2(CACNA1A):c.5956A>G (p.Met1986Val)

Gene: CACNA1A (calcium voltage-gated channel subunit alpha1 A; minus strand). Cytogenetic location: 19p13.13.
Variant type: single nucleotide variant.
Coding change: c.5956A>G on transcript NM_001127222.2 (MANE Select); coding-DNA position 5956, A replaced by G.
Protein change: p.Met1986Val; replaces methionine 1986 with valine.
Molecular consequence: missense variant.
Genome position (GRCh38, 1-based): chr19:13,212,725, T>C on the plus strand (A>G on the coding strand, the complement: CACNA1A is on the minus strand). VCF-style: chr19-13212725-T-C. GRCh37 (hg19) VCF-style: chr19-13323539-T-C.
Other names: c.5974A>G, p.Met1992Val (NM_000068.4, NM_023035.3); c.5959A>G, p.Met1987Val (NM_001127221.2); c.5965A>G, p.Met1989Val (NM_001174080.2); short protein forms M1986V, M1987V, M1989V, M1992V.
Identifiers: ClinVar variation 4086448 (VCV004086448.1).

ClinVar aggregate classification (germline): Uncertain significance (1 of 4 stars; one submission).

Submission:

GeneDx
Classification: Uncertain significance. Last evaluated: 2025-03-18. Review status: criteria provided, single submitter. Criteria: GeneDx Variant Classification Process June 2021. Collection method: clinical testing. Allele origin: germline. Affected: yes.
Comment: Identified in a patient with hypoplastic left pulmonary artery and valvar pulmonary stenosis; however this patient also had several other variants in genes possibly associated with the phenotype (PMID: 28991257); Not observed at significant frequency in large population cohorts (gnomAD); In silico analysis indicates that this missense variant does not alter protein structure/function; This variant is associated with the following publications: (PMID: 32368696, 28991257)